The following is an entry in ClinVar:

NM_032043.3(BRIP1):c.3023_3024insTTTTTTTTTTTTTTTTTTTTNNNNNNNNNNGGGAGAGGGAGAGGGAGACGGGAGAGGGAGAGGTAGACGGGAGAGGGAGAGGGAGACGGGAGAGGGAGAGGGAGACGGGAGAGGGAGAGGGATACTAATTCTTT (p.Leu1008fs)

Gene: BRIP1 (BRCA1 interacting DNA helicase 1; minus strand). Cytogenetic location: 17q23.2.
Variant type: Insertion.
Coding change: c.3023_3024insTTTTTTTTTTTTTTTTTTTTNNNNNNNNNNGGGAGAGGGAGAGGGAGACGGGAGAGGGAGAGGTAGACGGGAGAGGGAGAGGGAGACGGGAGAGGGAGAGGGAGACGGGAGAGGGAGAGGGATACTAATTCTTT on transcript NM_032043.3 (MANE Select); coding-DNA positions 3023 to 3024, TTTTTTTTTTTTTTTTTTTTNNNNNNNNNNGGGAGAGGGAGAGGGAGACGGGAGAGGGAGAGGTAGACGGGAGAGGGAGAGGGAGACGGGAGAGGGAGAGGGAGACGGGAGAGGGAGAGGGATACTAATTCTTT inserted.
Protein change: p.Leu1008fs; shifts the reading frame from leucine 1008.
Molecular consequence: frameshift variant.
Genome position: GRCh38: chr17:61,684,031-61,684,032. GRCh37 (hg19): chr17:59,761,392-59,761,393.
Other names: short protein forms L1008fs.
Identifiers: ClinVar variation 1355473 (VCV001355473.7), dbSNP rs2144091036.

ClinVar aggregate classification (germline): Uncertain significance (1 of 4 stars; one submission).

Conditions:
Familial cancer of breast. Also called: BREAST CANCER, FAMILIAL; hereditary breast carcinoma; Hereditary breast cancer. Identifiers: Orphanet 227535, MedGen C0346153, MONDO:0016419, OMIM 114480. Disease mechanism: loss of function.
Fanconi anemia complementation group J. Also called: BRIP1-Related Fanconi Anemia. Identifiers: Orphanet 84, MedGen C1836860, MONDO:0012187, OMIM 609054.

Submission:

Labcorp Genetics (formerly Invitae), Labcorp
Classification: Uncertain significance for Familial cancer of breast; Fanconi anemia complementation group J. Last evaluated: 2025-07-18. Review status: criteria provided, single submitter. Criteria: Invitae Variant Classification Sherloc (09022015). Collection method: clinical testing. Allele origin: germline.
Comment: This sequence change inserts a large fragment of DNA, likely a transposable element, in exon 20 of the BRIP1 gene (c.3023_3024ins?), causing a frameshift at codon 1008 (p.Leu1008fs). The exact size and sequence of the insertion cannot be determined by the current assay. However, the insertion is expected to result in an absent or disrupted protein product. This variant is not present in population databases (gnomAD no frequency). This variant has not been reported in the literature in individuals affected with BRIP1-related conditions. ClinVar contains an entry for this variant (Variation ID: 1355473). Retrotransposon insertions including LINE1 (L1), Alu, and SVA (SINE-VNTR-Alu) have been reported to disrupt protein function (PMID: 19763152, 20307669, 22406018). However the effect of this particular variant is unknown. In summary, the available evidence is currently insufficient to determine the role of this variant in disease. Therefore, it has been classified as a Variant of Uncertain Significance.

Literature cited by the submitters: PubMed 19763152; PubMed 20307669; PubMed 22406018.